The following is an entry in ClinVar:

ClinVar aggregate classification (germline): Uncertain significance. Review status: criteria provided, multiple submitters, no conflicts (2 of 4 stars). 2 submissions from 2 submitters: Uncertain significance (2). Last evaluated 2022-09-06.

Conditions:
Inborn genetic diseases. Identifiers: MedGen C0950123, MeSH D030342.

Allele frequency attached by ClinVar (database versions not stated): ESP Exome Variant Server 0.00008; TOPMed 0.00008; gnomAD 0.00009; gnomAD exomes 0.00009; ExAC 0.00019.
gnomAD v4.1: 139 of 1,612,678 alleles (0.0086%); highest among the groups gnomAD compares: Middle Eastern, 0.083%; no homozygotes.

Submissions (2):

Labcorp Genetics (formerly Invitae), Labcorp
Classification: Uncertain significance. Last evaluated: 2022-09-06. Review status: criteria provided, single submitter. Criteria: Invitae Variant Classification Sherloc (09022015). Collection method: clinical testing. Allele origin: germline.
Comment: This sequence change replaces valine, which is neutral and non-polar, with isoleucine, which is neutral and non-polar, at codon 1383 of the LAMA5 protein (p.Val1383Ile). This variant is present in population databases (rs202031005, gnomAD 0.02%). This variant has not been reported in the literature in individuals affected with LAMA5-related conditions. Algorithms developed to predict the effect of missense changes on protein structure and function (SIFT, PolyPhen-2, Align-GVGD) all suggest that this variant is likely to be tolerated. In summary, the available evidence is currently insufficient to determine the role of this variant in disease. Therefore, it has been classified as a Variant of Uncertain Significance.

Ambry Genetics
Classification: Uncertain significance for Inborn genetic diseases. Last evaluated: 2021-06-18. Review status: criteria provided, single submitter. Criteria: Ambry Variant Classification Scheme 2023. Collection method: clinical testing. Allele origin: germline.

NM_005560.6(LAMA5):c.4147G>A (p.Val1383Ile)

Gene: LAMA5 (laminin subunit alpha 5; minus strand). Cytogenetic location: 20q13.33.
Variant type: single nucleotide variant.
Coding change: c.4147G>A on transcript NM_005560.6 (MANE Select); coding-DNA position 4147, G replaced by A.
Protein change: p.Val1383Ile; replaces valine 1383 with isoleucine.
Molecular consequence: missense variant.
Genome position (GRCh38, 1-based): chr20:62,329,226, C>T on the plus strand (G>A on the coding strand, the complement: LAMA5 is on the minus strand). VCF-style: chr20-62329226-C-T. GRCh37 (hg19) VCF-style: chr20-60904282-C-T.
Other names: c.4147G>A (NM_005560.3); short protein forms V1383I.
Identifiers: ClinVar variation 2174312 (VCV002174312.2), dbSNP rs202031005, ClinGen allele CA9942697.